The following is an entry in ClinVar:

ClinVar aggregate classification (germline): Uncertain significance (1 of 4 stars; one submission).

Conditions:
Aniridia 1 (AN1). Identifiers: Orphanet 250923, MedGen C0344542, MONDO:0024507, OMIM 106210.
Irido-corneo-trabecular dysgenesis (ASGD5). Also called: ANTERIOR SEGMENT DYSGENESIS 5. Identifiers: Orphanet 708, MedGen C0344559, MONDO:0011414, OMIM 604229, HP:0000659.

Allele frequency attached by ClinVar (database versions not stated): gnomAD 0.00001.
gnomAD v4.1: 1 of 1,613,982 alleles (0.000062%); highest among the groups gnomAD compares: Middle Eastern, 0.017%; no homozygotes.

Submission:

Labcorp Genetics (formerly Invitae), Labcorp
Classification: Uncertain significance for Aniridia 1; Irido-corneo-trabecular dysgenesis. Last evaluated: 2023-12-06. Review status: criteria provided, single submitter. Criteria: Invitae Variant Classification Sherloc (09022015). Collection method: clinical testing. Allele origin: germline.
Comment: This sequence change replaces proline, which is neutral and non-polar, with serine, which is neutral and polar, at codon 345 of the PAX6 protein (p.Pro345Ser). This variant is not present in population databases (gnomAD no frequency). This variant has not been reported in the literature in individuals affected with PAX6-related conditions. An algorithm developed to predict the effect of missense changes on protein structure and function (PolyPhen-2) suggests that this variant is likely to be tolerated. In summary, the available evidence is currently insufficient to determine the role of this variant in disease. Therefore, it has been classified as a Variant of Uncertain Significance.

NM_001368894.2(PAX6):c.1075C>T (p.Pro359Ser)

Gene: PAX6 (paired box 6; minus strand). Cytogenetic location: 11p13.
Variant type: single nucleotide variant.
Coding change: c.1075C>T on transcript NM_001368894.2 (MANE Select); coding-DNA position 1075, C replaced by T.
Protein change: p.Pro359Ser; replaces proline 359 with serine.
Molecular consequence: missense variant. On other transcripts: non-coding transcript variant (1), intron variant (9).
Genome position (GRCh38, 1-based): chr11:31,790,860, G>A on the plus strand (C>T on the coding strand, the complement: PAX6 is on the minus strand). VCF-style: chr11-31790860-G-A. GRCh37 (hg19) VCF-style: chr11-31812408-G-A.
Other names: c.1033C>T, p.Pro345Ser (NM_000280.6, NM_001127612.3, NM_001258464.2 and 6 more transcripts); c.1075C>T, p.Pro359Ser (NM_001258462.3, NM_001258463.2, NM_001310158.2 and 3 more transcripts); c.625C>T, p.Pro209Ser (NM_001310160.2, NM_001310161.3, NM_001368899.2 and 10 more transcripts); c.1276C>T, p.Pro426Ser (NM_001368910.2); c.1150C>T, p.Pro384Ser (NM_001368918.2, NM_001368919.2); c.1108C>T, p.Pro370Ser (NM_001368920.2); c.874C>T, p.Pro292Ser (NM_001368922.2, NM_001368923.2, NM_001368924.2 and 3 more transcripts); c.832C>T, p.Pro278Ser (NM_001368928.2); and 6 more; short protein forms P345S, P209S, P278S, P426S, P144S, P292S, P359S, P370S.
Identifiers: ClinVar variation 2930384 (VCV002930384.3), dbSNP rs1484443521, ClinGen allele CA379967594.
Genomic context (GRCh38, chr11:31,790,860, plus strand): 5'-TCACCGAAGGGCTGGTGGGCAGCATGCAGGAGTATGAGGAGGTCTGGCTGGGGACTGGGG[G>A]CTGTGAGGAGAGAGGCAAACCTGTGGTTACTGAGGAACACATCACACAGCCACAGCCCCA-3'
Protein context (NP_001355823.1, residues 349-369): FTMANNLPMQ[Pro359Ser]PVPSQTSSYS